The following is an entry in ClinVar:

NM_004380.3(CREBBP):c.2034C>G (p.Ile678Met)

Gene: CREBBP (CREB binding lysine acetyltransferase; minus strand). Cytogenetic location: 16p13.3.
Variant type: single nucleotide variant.
Coding change: c.2034C>G on transcript NM_004380.3 (MANE Select); coding-DNA position 2034, C replaced by G.
Protein change: p.Ile678Met; replaces isoleucine 678 with methionine.
Molecular consequence: missense variant.
Genome position (GRCh38, 1-based): chr16:3,778,090, G>C on the plus strand (C>G on the coding strand, the complement: CREBBP is on the minus strand). VCF-style: chr16-3778090-G-C. GRCh37 (hg19) VCF-style: chr16-3828091-G-C.
Other names: c.1920C>G, p.Ile640Met (NM_001079846.1); short protein forms I640M, I678M.
Identifiers: ClinVar variation 4538662 (VCV004538662.2).

ClinVar aggregate classification (germline): Uncertain significance (1 of 4 stars; one submission).

Submission:

GeneDx
Classification: Uncertain significance. Last evaluated: 2026-04-16. Review status: criteria provided, single submitter. Criteria: GeneDx Variant Classification Process June 2021. Collection method: clinical testing. Allele origin: germline.
Comment: Not observed at significant frequency in large population cohorts (gnomAD); In silico analysis suggests that this missense variant does not alter protein structure/function; Has not been previously published as pathogenic or benign to our knowledge